The following is an entry in ClinVar:

ClinVar aggregate classification (germline): Uncertain significance (1 of 4 stars; one submission).

Conditions:
DNAH14-related neurodevelopmental disorder.

Submission:

Clinical Genomics Laboratory, Washington University in St. Louis
Classification: Uncertain significance for DNAH14-related Neurodevelopmental disorder. Last evaluated: 2024-09-15. Review status: criteria provided, single submitter. Criteria: ACMG Guidelines, 2015. Collection method: clinical testing. Allele origin: germline.
Comment: The DNAH14 c.6592_6596dup (p.Phe2199Leufs*11) variant, to our knowledge, has not been reported in the medical literature and is absent from the general population (gnomAD v.2.1.1), indicating it is not a common variant. This variant causes a frameshift by inserting five nucleotides, leading to a premature termination codon, which is predicted to lead to nonsense mediated decay. Other variants that introduce a premature termination codon have been described in reportedly affected individuals (Li J et al., PMID: 35438214). Due to limited information, the clinical significance of this variant is uncertain.

NM_001367479.1(DNAH14):c.6592_6596dup (p.Phe2199fs)

Gene: DNAH14 (dynein axonemal heavy chain 14; plus strand). Cytogenetic location: 1q42.12.
Variant type: Duplication.
Coding change: c.6592_6596dup on transcript NM_001367479.1 (MANE Select); coding-DNA positions 6592 to 6596, 5 bases duplicated (GCCTT; older notation c.6592_6596dupGCCTT).
Protein change: p.Phe2199fs; shifts the reading frame from phenylalanine 2199.
Molecular consequence: frameshift variant.
Genome position (GRCh38, 1-based): chr1:225,240,666-225,240,670, GCCTT duplicated; duplicating any 5 consecutive bases within chr1:225,240,664-225,240,670 gives the same sequence; the c. name uses the placement nearest the transcript's 3' end. VCF-style (leftmost placement, unchanged base first): chr1-225240663-T-TTTGCC. GRCh37 (hg19) VCF-style: chr1-225428365-T-TTTGCC.
Other names: short protein forms F2199fs.
Identifiers: ClinVar variation 3600514 (VCV003600514.1).